The following is an entry in ClinVar:

NM_001394073.1(HS6ST2):c.1767A>G (p.Pro589=)

Gene: HS6ST2 (heparan sulfate 6-O-sulfotransferase 2; minus strand). Cytogenetic location: Xq26.2.
Variant type: single nucleotide variant.
Coding change: c.1767A>G on transcript NM_001394073.1 (MANE Select); coding-DNA position 1767, A replaced by G.
Protein change: p.Pro589=; no amino-acid change (proline 589 retained).
Molecular consequence: synonymous variant.
Genome position (GRCh38, 1-based): chrX:132,628,394, T>C on the plus strand (A>G on the coding strand, the complement: HS6ST2 is on the minus strand). VCF-style: chrX-132628394-T-C. GRCh37 (hg19) VCF-style: chrX-131762422-T-C.
Other names: c.1767A>G, p.Pro589= (NM_001077188.2); c.1647A>G, p.Pro549= (NM_001394074.1, NM_147175.4).
Identifiers: ClinVar variation 4978547 (VCV004978547.1).

ClinVar aggregate classification (germline): Likely benign (1 of 4 stars; one submission).

Conditions:
HS6ST2-related disorder. Also called: HS6ST2-related condition.

gnomAD v4.1: 94 of 1,190,589 alleles (0.0079%); highest among the groups gnomAD compares: Non-Finnish European, 0.01%; no homozygotes.

Submission:

PreventionGenetics, part of Exact Sciences
Classification: Likely benign for HS6ST2-related condition. Last evaluated: 2026-04-08. Review status: criteria provided, single submitter. Criteria: ACMG Guidelines, 2015. Collection method: clinical testing. Allele origin: germline.
Comment: This variant is classified as likely benign based on ACMG/AMP sequence variant interpretation guidelines (Richards et al. 2015 PMID: 25741868, with internal and published modifications).